The following is an entry in ClinVar:

ClinVar aggregate classification (germline): Uncertain significance (1 of 4 stars; one submission).

Conditions:
Progressive myoclonic epilepsy. Also called: Familial progressive myoclonic epilepsy; Myoclonus epilepsy; Progressive myoclonus epilepsy; Myoclonic Epilepsies, Progressive. Identifiers: Orphanet 308, Orphanet 98261, MedGen C0751778, MONDO:0020074.

Submission:

Labcorp Genetics (formerly Invitae), Labcorp
Classification: Uncertain significance for Progressive myoclonic epilepsy. Last evaluated: 2021-08-27. Review status: criteria provided, single submitter. Criteria: Invitae Variant Classification Sherloc (09022015). Collection method: clinical testing. Allele origin: germline.
Comment: This sequence change replaces isoleucine with threonine at codon 41 of the GOSR2 protein (p.Ile41Thr). The isoleucine residue is highly conserved and there is a moderate physicochemical difference between isoleucine and threonine. This variant is not present in population databases (ExAC no frequency). This variant has not been reported in the literature in individuals affected with GOSR2-related conditions. Algorithms developed to predict the effect of missense changes on protein structure and function (SIFT, PolyPhen-2, Align-GVGD) all suggest that this variant is likely to be tolerated. In summary, the available evidence is currently insufficient to determine the role of this variant in disease. Therefore, it has been classified as a Variant of Uncertain Significance.

NM_004287.5(GOSR2):c.122T>C (p.Ile41Thr)

Genes: GOSR2 (golgi SNAP receptor complex member 2; plus strand), LRRC37A2 (leucine rich repeat containing 37 member A2), LOC126862578 (BRD4-independent group 4 enhancer GRCh37_chr17:45008344-45009543; plus strand). Cytogenetic location: 17q21.32.
Variant type: single nucleotide variant.
Coding change: c.122T>C on transcript NM_004287.5 (MANE Select); coding-DNA position 122, T replaced by C.
Protein change: p.Ile41Thr; replaces isoleucine 41 with threonine.
Molecular consequence: missense variant. On other transcripts: non-coding transcript variant (3).
Genome position (GRCh38, 1-based): chr17:46,931,126, T>C. VCF-style: chr17-46931126-T-C. GRCh37 (hg19) VCF-style: chr17-45008492-T-C.
Other names: c.122T>C, p.Ile41Thr (NM_001012511.3, NM_001321133.2, NM_001330252.2 and 1 more transcripts); c.68T>C, p.Ile23Thr (NM_001321134.2, NM_001363851.2); c.119T>C, p.Ile40Thr (NM_001353114.2, NM_001353115.2, NM_001353116.2); short protein forms I23T, I40T, I41T.
Identifiers: ClinVar variation 1002913 (VCV001002913.7), dbSNP rs2087307019, ClinGen allele CA400016656.